The following is an entry in ClinVar:

ClinVar aggregate classification (germline): Uncertain significance (1 of 4 stars; one submission).

Conditions:
Early Myoclonic Encephalopathy. Identifiers: MedGen C0270855.

Submission:

Labcorp Genetics (formerly Invitae), Labcorp
Classification: Uncertain significance for Early Myoclonic Encephalopathy. Last evaluated: 2023-07-09. Review status: criteria provided, single submitter. Criteria: Invitae Variant Classification Sherloc (09022015). Collection method: clinical testing. Allele origin: germline.
Comment: In summary, the available evidence is currently insufficient to determine the role of this variant in disease. Therefore, it has been classified as a Variant of Uncertain Significance. Advanced modeling of protein sequence and biophysical properties (such as structural, functional, and spatial information, amino acid conservation, physicochemical variation, residue mobility, and thermodynamic stability) performed at Invitae indicates that this missense variant is not expected to disrupt JMJD1C protein function. This variant has not been reported in the literature in individuals affected with JMJD1C-related conditions. This variant is not present in population databases (gnomAD no frequency). This sequence change replaces serine, which is neutral and polar, with threonine, which is neutral and polar, at codon 1414 of the JMJD1C protein (p.Ser1414Thr).

NM_032776.3(JMJD1C):c.4240T>A (p.Ser1414Thr)

Gene: JMJD1C (jumonji domain containing 1C; minus strand). Cytogenetic location: 10q21.3.
Variant type: single nucleotide variant.
Coding change: c.4240T>A on transcript NM_032776.3 (MANE Select); coding-DNA position 4240, T replaced by A.
Protein change: p.Ser1414Thr; replaces serine 1414 with threonine.
Molecular consequence: missense variant. On other transcripts: non-coding transcript variant (1).
Genome position (GRCh38, 1-based): chr10:63,207,429, A>T on the plus strand (T>A on the coding strand, the complement: JMJD1C is on the minus strand). VCF-style: chr10-63207429-A-T. GRCh37 (hg19) VCF-style: chr10-64967189-A-T.
Other names: c.3694T>A, p.Ser1232Thr (NM_001282948.2, NM_001318154.2); c.3376T>A, p.Ser1126Thr (NM_001318153.2); c.4126T>A, p.Ser1376Thr (NM_001322252.2); c.3583T>A, p.Ser1195Thr (NM_001322254.2, NM_001322258.2); short protein forms S1195T, S1414T, S1126T, S1232T, S1376T.
Identifiers: ClinVar variation 2739429 (VCV002739429.3), dbSNP rs2492676357, ClinGen allele CA377038206.